The following is an entry in ClinVar:

NM_016616.5(NME8):c.1400-1G>C

Gene: NME8 (NME/NM23 family member 8; plus strand). Cytogenetic location: 7p14.1.
Variant type: single nucleotide variant.
Coding change: c.1400-1G>C on transcript NM_016616.5 (MANE Select); the canonical splice acceptor site of the intron before coding-DNA position 1400, G replaced by C.
Molecular consequence: splice acceptor variant.
Genome position (GRCh38, 1-based): chr7:37,894,465, G>C. VCF-style: chr7-37894465-G-C. GRCh37 (hg19) VCF-style: chr7-37934067-G-C.
Identifiers: ClinVar variation 4704200 (VCV004704200.1).

ClinVar aggregate classification (germline): Uncertain significance (1 of 4 stars; one submission).

Conditions:
Primary ciliary dyskinesia 6. Also called: Primary Ciliary Dyskinesia 6: TXNDC3-Related Primary Ciliary Dyskinesia. Identifiers: Orphanet 244, MedGen C1970506, MONDO:0012571, OMIM 610852.

gnomAD v4.1: 2 of 1,612,420 alleles (0.00012%); highest among the groups gnomAD compares: Non-Finnish European, 0.00017%; no homozygotes.

Submission:

Labcorp Genetics (formerly Invitae), Labcorp
Classification: Uncertain significance for Primary ciliary dyskinesia 6. Last evaluated: 2025-06-19. Review status: criteria provided, single submitter. Criteria: Invitae Variant Classification Sherloc (09022015). Collection method: clinical testing. Allele origin: germline.
Comment: This sequence change affects an acceptor splice site in intron 15 of the NME8 gene. It is expected to disrupt RNA splicing. Variants that disrupt the donor or acceptor splice site typically lead to a loss of protein function (PMID: 16199547), however the current clinical and genetic evidence is not sufficient to establish whether loss-of-function variants in NME8 cause disease. This variant is present in population databases (rs760527291, gnomAD 0.0009%). This variant has not been reported in the literature in individuals affected with NME8-related conditions. Algorithms developed to predict the effect of sequence changes on RNA splicing suggest that this variant may disrupt the consensus splice site. In summary, the available evidence is currently insufficient to determine the role of this variant in disease. Therefore, it has been classified as a Variant of Uncertain Significance.

Literature cited by the submitters: PubMed 16199547.